The following is an entry in ClinVar:

ClinVar aggregate classification (germline): Uncertain significance (1 of 4 stars; one submission).

gnomAD v4.1: 1 of 1,614,186 alleles (0.000062%); highest among the groups gnomAD compares: Non-Finnish European, 0.000085%; no homozygotes.

Submission:

Labcorp Genetics (formerly Invitae), Labcorp
Classification: Uncertain significance. Last evaluated: 2024-12-22. Review status: criteria provided, single submitter. Criteria: Invitae Variant Classification Sherloc (09022015). Collection method: clinical testing. Allele origin: germline.
Comment: This sequence change replaces alanine, which is neutral and non-polar, with valine, which is neutral and non-polar, at codon 73 of the CFI protein (p.Ala73Val). This variant is not present in population databases (gnomAD no frequency). This variant has not been reported in the literature in individuals affected with CFI-related conditions. Invitae Evidence Modeling of protein sequence and biophysical properties (such as structural, functional, and spatial information, amino acid conservation, physicochemical variation, residue mobility, and thermodynamic stability) indicates that this missense variant is not expected to disrupt CFI protein function with a negative predictive value of 80%. In summary, the available evidence is currently insufficient to determine the role of this variant in disease. Therefore, it has been classified as a Variant of Uncertain Significance.

NM_000204.5(CFI):c.218C>T (p.Ala73Val)

Gene: CFI (complement factor I; minus strand). Cytogenetic location: 4q25.
Variant type: single nucleotide variant.
Coding change: c.218C>T on transcript NM_000204.5 (MANE Select); coding-DNA position 218, C replaced by T.
Protein change: p.Ala73Val; replaces alanine 73 with valine.
Molecular consequence: missense variant. On other transcripts: non-coding transcript variant (3), intron variant (1).
Genome position (GRCh38, 1-based): chr4:109,766,664, G>A on the plus strand (C>T on the coding strand, the complement: CFI is on the minus strand). VCF-style: chr4-109766664-G-A. GRCh37 (hg19) VCF-style: chr4-110687820-G-A.
Other names: c.218C>T, p.Ala73Val (NM_001375281.1, NM_001375282.1, NM_001375283.1 and 5 more transcripts); c.-127-4972C>T (NM_001375284.1); short protein forms A73V.
Identifiers: ClinVar variation 3664677 (VCV003664677.2).